The following is an entry in ClinVar:

ClinVar aggregate classification (germline): Uncertain significance. Review status: criteria provided, multiple submitters, no conflicts (2 of 4 stars). 4 submissions from 4 submitters: Uncertain significance (4). Last evaluated 2024-12-07.

Conditions:
Joubert syndrome. Also called: Familial aplasia of the vermis; JOUBERT-BOLTSHAUSER SYNDROME. Identifiers: Orphanet 475, MedGen C5979921, MONDO:0018772.
Inborn genetic diseases. Identifiers: MedGen C0950123, MeSH D030342.
Joubert syndrome 3 (JBTS3). Also called: AHI1-related Ciliopathy. Identifiers: Orphanet 220493, MedGen C1837713, MONDO:0012078, OMIM 608629.

Allele frequency attached by ClinVar (database versions not stated): gnomAD exomes 0.00001 and 0.00003; ExAC 0.00002; gnomAD 0.00002; TOPMed 0.00002.
gnomAD v4.1: 47 of 1,613,524 alleles (0.0029%); highest among the groups gnomAD compares: Non-Finnish European, 0.0039%; no homozygotes.

Submissions (4):

Ambry Genetics
Classification: Uncertain significance for Inborn genetic diseases. Last evaluated: 2024-12-07. Review status: criteria provided, single submitter. Criteria: Ambry Variant Classification Scheme 2023. Collection method: clinical testing. Allele origin: germline.

Fulgent Genetics
Classification: Uncertain significance for Joubert syndrome 3. Last evaluated: 2024-03-20. Review status: criteria provided, single submitter. Criteria: ACMG Guidelines, 2015. Collection method: clinical testing. Allele origin: germline.

Labcorp Genetics (formerly Invitae), Labcorp
Classification: Uncertain significance for Joubert syndrome. Last evaluated: 2021-08-31. Review status: criteria provided, single submitter. Criteria: Invitae Variant Classification Sherloc (09022015). Collection method: clinical testing. Allele origin: germline.
Comment: This sequence change replaces histidine with leucine at codon 23 of the AHI1 protein (p.His23Leu). The histidine residue is weakly conserved and there is a moderate physicochemical difference between histidine and leucine. This variant is present in population databases (rs746992537, ExAC 0.01%). This variant has not been reported in the literature in individuals affected with AHI1-related conditions. Algorithms developed to predict the effect of missense changes on protein structure and function are either unavailable or do not agree on the potential impact of this missense change (SIFT: "Deleterious"; PolyPhen-2: "Probably Damaging"; Align-GVGD: "Class C0"). In summary, the available evidence is currently insufficient to determine the role of this variant in disease. Therefore, it has been classified as a Variant of Uncertain Significance.

Blueprint Genetics
Classification: Uncertain significance. Last evaluated: 2019-05-25. Review status: criteria provided, single submitter. Criteria: ACMG Guidelines, 2015. Collection method: clinical testing. Allele origin: germline.

NM_001134831.2(AHI1):c.68A>T (p.His23Leu)

Gene: AHI1 (Abelson helper integration site 1; minus strand). Cytogenetic location: 6q23.3.
Variant type: single nucleotide variant.
Coding change: c.68A>T on transcript NM_001134831.2 (MANE Select); coding-DNA position 68, A replaced by T.
Protein change: p.His23Leu; replaces histidine 23 with leucine.
Molecular consequence: missense variant.
Genome position (GRCh38, 1-based): chr6:135,490,690, T>A on the plus strand (A>T on the coding strand, the complement: AHI1 is on the minus strand). VCF-style: chr6-135490690-T-A. GRCh37 (hg19) VCF-style: chr6-135811828-T-A.
Other names: c.68A>T, p.His23Leu (NM_001134830.2, NM_001134832.2, NM_001350503.2 and 2 more transcripts); c.68A>T (NM_017651.4); short protein forms H23L.
Identifiers: ClinVar variation 1523795 (VCV001523795.8), dbSNP rs746992537, ClinGen allele CA4012964.
Genomic context (GRCh38, chr6:135,490,690, plus strand): 5'-TTTTCTTCAGACCTGACAAGTTTTTTCTTCAGTTTTTTCTTTTCACGCATTAGATCACTG[T>A]GGGTCTTAAGCAATTCTTCAAAGCGAACTTTGGTTTTTACTTTTGCTTCACTCTCAGCTA-3'
Protein context (NP_001128303.1, residues 13-33): KVRFEELLKT[His23Leu]SDLMREKKKL